The following is an entry in ClinVar:

ClinVar aggregate classification (germline): Conflicting classifications of pathogenicity. Review status: criteria provided, conflicting classifications (1 of 4 stars). 4 submissions from 4 submitters: Pathogenic (2); Likely pathogenic (1); Uncertain significance (1). Last evaluated 2025-08-28.

Conditions:
Malignant hyperthermia, susceptibility to, 1 (MHS1). Also called: RYR1-Related Malignant Hyperthermia Susceptibility; Malignant hyperthermia suceptibility 1; Anesthesia related hyperthermia; Malignant hyperpyrexia; Fulminating hyperpyrexia; Pharmacogenic myopathy. Identifiers: Orphanet 423, MedGen C2930980, MONDO:0007783, OMIM 145600.
Congenital multicore myopathy with external ophthalmoplegia (CMYO1B). Also called: MULTIMINICORE DISEASE WITH EXTERNAL OPHTHALMOPLEGIA; Minicore myopathy with external ophthalmoplegia; MULTICORE MYOPATHY; Congenital myopathy 1B, autosomal recessive; Minicore myopathy. Identifiers: Orphanet 598, Orphanet 98905, MedGen C1850674, MONDO:0009712, OMIM 255320, HP:0003789.
RYR1-related disorder. Also called: RYR1-related disorders; RYR1-related condition. Identifiers: MedGen CN239331.

Submissions (4):

Color Diagnostics, LLC DBA Color Health
Classification: Uncertain significance for Malignant hyperthermia, susceptibility to, 1. Last evaluated: 2025-08-28. Review status: criteria provided, single submitter. Criteria: ACMG Guidelines, 2015. Collection method: clinical testing. Allele origin: germline.
Comment: This variant inserts 1 nucleotide in exon 66 of the RYR1 gene, creating a frameshift and premature translation stop signal. This variant is expected to result in an absent or non-functional protein product. To our knowledge, this variant has not been reported in individuals affected with RYR1-related disorders in the literature. This variant has not been identified in the general population by the Genome Aggregation Database (gnomAD). Loss of RYR1 function due to truncation variants is not an established disease mechanism for autosomal dominant malignant hyperthermia, although it is associated with other phenotype(s) (ClinVar Variation ID: 1455334). Therefore, this variant is classified as a Variant of Uncertain Significance for autosomal dominant malignant hyperthermia.

3billion
Classification: Pathogenic for Congenital multicore myopathy with external ophthalmoplegia. Last evaluated: 2024-01-25. Review status: criteria provided, single submitter. Criteria: ACMG Guidelines, 2015. Collection method: clinical testing. Allele origin: germline. Affected: yes.
Comment: The variant is observed at an extremely low frequency in the gnomAD v2.1.1 dataset (total allele frequency: 0.003%). Predicted Consequence/Location: Frameshift: predicted to result in a loss or disruption of normal protein function through nonsense-mediated decay (NMD) or protein truncation. Multiple pathogenic variants are reported downstream of the variant. The variant has been reported to be associated with RYR1-related disorder (ClinVar ID: VCV001455334). Therefore, this variant is classified as Pathogenic according to the recommendation of ACMG/AMP guideline.

Labcorp Genetics (formerly Invitae), Labcorp
Classification: Pathogenic for RYR1-related disorder. Last evaluated: 2023-06-13. Review status: criteria provided, single submitter. Criteria: Invitae Variant Classification Sherloc (09022015). Collection method: clinical testing. Allele origin: germline.
Comment: For these reasons, this variant has been classified as Pathogenic. ClinVar contains an entry for this variant (Variation ID: 1455334). This variant has not been reported in the literature in individuals affected with RYR1-related conditions. The frequency data for this variant in the population databases is considered unreliable, as metrics indicate poor data quality at this position in the gnomAD database. This sequence change creates a premature translational stop signal (p.Pro3303Thrfs*8) in the RYR1 gene. It is expected to result in an absent or disrupted protein product. Loss-of-function variants in RYR1 are known to be pathogenic (PMID: 23919265, 25960145, 28818389, 30611313).

Revvity Omics, Revvity
Classification: Likely pathogenic. Last evaluated: 2023-04-27. Review status: criteria provided, single submitter. Criteria: ACMG Guidelines, 2015. Collection method: clinical testing. Allele origin: germline.

Literature cited by the submitters: PubMed 23919265 (cited by Labcorp Genetics (formerly Invitae), Labcorp); PubMed 25960145 (cited by Labcorp Genetics (formerly Invitae), Labcorp); PubMed 28818389 (cited by Labcorp Genetics (formerly Invitae), Labcorp); PubMed 30611313 (cited by Labcorp Genetics (formerly Invitae), Labcorp).

NM_000540.3(RYR1):c.9905dup (p.Pro3303fs)

Gene: RYR1 (ryanodine receptor 1; plus strand). Cytogenetic location: 19q13.2.
Variant type: Duplication.
Coding change: c.9905dup on transcript NM_000540.3 (MANE Select); coding-DNA position 9905, one base duplicated (C; older notation c.9905dupC).
Protein change: p.Pro3303fs; shifts the reading frame from proline 3303.
Molecular consequence: frameshift variant.
Genome position (GRCh38, 1-based): chr19:38,517,578, C duplicated; the last of 7 consecutive C bases (chr19:38,517,572-38,517,578); duplicating any one gives the same sequence. VCF-style (leftmost placement, unchanged base first): chr19-38517571-G-GC. GRCh37 (hg19) VCF-style: chr19-39008211-G-GC.
Other names: c.9905dup, p.Pro3303fs (NM_001042723.2); short protein forms P3303fs.
Identifiers: ClinVar variation 1455334 (VCV001455334.9), dbSNP rs749656679, ClinGen allele CA074310.
Genomic context (GRCh38, chr19:38,517,571, plus strand): 5'-TACCTGCCCCGATGGTGGGAGCGCGGGCCCGAGGCACCCCCTTCCGCCCTGCCCGCCGGC[G>GC]CCCCCCCACCCTGCACAGCTGTCACCTCTGACCACCTCAACTCCCTGCTGGGGAATATCC-3'